The following is an entry in ClinVar:

NM_003128.3(SPTBN1):c.1853del (p.Phe618fs)

Gene: SPTBN1 (spectrin beta, non-erythrocytic 1; plus strand). Cytogenetic location: 2p16.2.
Variant type: Deletion.
Coding change: c.1853del on transcript NM_003128.3 (MANE Select); coding-DNA position 1853, one base deleted (T; older notation c.1853delT).
Protein change: p.Phe618fs; shifts the reading frame from phenylalanine 618.
Molecular consequence: frameshift variant.
Genome position (GRCh38, 1-based): chr2:54,628,987, T deleted; the last of 2 consecutive T bases (chr2:54,628,986-54,628,987); deleting either gives the same sequence. VCF-style (leftmost placement, unchanged base first): chr2-54628985-GT-G. GRCh37 (hg19) VCF-style: chr2-54856122-GT-G.
Other names: c.1814del, p.Phe605fs (NM_178313.3); short protein forms F605fs, F618fs.
Identifiers: ClinVar variation 3343363 (VCV003343363.1).
Genomic context (GRCh38, chr2:54,628,985, plus strand): 5'-TTAAACAGGTTACAAGCCCTGTGACCCCCAGGTGATCCGAGACCGCGTGGCCCACATGGA[GT>G]TCTGTTATCAAGAGCTTTGCCAGCTGGCGGCTGAGCGCAGGGCCCGTCTGGAAGAGTCCC-3'

ClinVar aggregate classification (germline): Pathogenic (1 of 4 stars; one submission).

Submission:

GeneDx
Classification: Pathogenic. Last evaluated: 2023-05-11. Review status: criteria provided, single submitter. Criteria: GeneDx Variant Classification Process June 2021. Collection method: clinical testing. Allele origin: germline. Affected: yes.
Comment: Frameshift variant predicted to result in protein truncation or nonsense mediated decay in a gene for which loss of function is a known mechanism of disease; Not observed at significant frequency in large population cohorts (gnomAD); Has not been previously published as pathogenic or benign to our knowledge